The following is an entry in ClinVar:

ClinVar aggregate classification (germline): Likely pathogenic (1 of 4 stars; one submission).

Submission:

GeneDx
Classification: Likely pathogenic. Last evaluated: 2025-08-26. Review status: criteria provided, single submitter. Criteria: GeneDx Variant Classification Process June 2021. Collection method: clinical testing. Allele origin: germline.
Comment: Not observed at significant frequency in large population cohorts (gnomAD); In silico analysis supports that this missense variant has a deleterious effect on protein structure/function; Has not been previously published as pathogenic or benign to our knowledge

NM_006015.6(ARID1A):c.4643A>C (p.His1548Pro)

Gene: ARID1A (AT-rich interaction domain 1A; plus strand). Cytogenetic location: 1p36.11.
Variant type: single nucleotide variant.
Coding change: c.4643A>C on transcript NM_006015.6 (MANE Select); coding-DNA position 4643, A replaced by C.
Protein change: p.His1548Pro; replaces histidine 1548 with proline.
Molecular consequence: missense variant. On other transcripts: intron variant (1).
Genome position (GRCh38, 1-based): chr1:26,774,870, A>C. VCF-style: chr1-26774870-A-C. GRCh37 (hg19) VCF-style: chr1-27101361-A-C.
Other names: c.4102-110A>C (NM_139135.4); short protein forms H1548P.
Identifiers: ClinVar variation 3341001 (VCV003341001.2).